The following is an entry in ClinVar:

ClinVar aggregate classification (germline): Uncertain significance. Review status: criteria provided, multiple submitters, no conflicts (2 of 4 stars). 4 submissions from 4 submitters: Uncertain significance (4). Last evaluated 2025-06-25.

Conditions:
Hereditary cancer-predisposing syndrome. Also called: Hereditary neoplastic syndrome; Neoplastic Syndromes, Hereditary; Tumor predisposition; Hereditary Cancer Syndrome. Identifiers: Orphanet 140162, MedGen C0027672, MeSH D009386, MONDO:0015356.
Hereditary diffuse gastric adenocarcinoma (HDGC). Also called: DIFFUSE GASTRIC AND LOBULAR BREAST CANCER SYNDROME. Identifiers: Orphanet 26106, MedGen C1708349, MONDO:0007648, OMIM 137215.
Familial cancer of breast. Also called: BREAST CANCER, FAMILIAL; hereditary breast carcinoma; Hereditary breast cancer. Identifiers: Orphanet 227535, MedGen C0346153, MONDO:0016419, OMIM 114480. Disease mechanism: loss of function.

Allele frequency attached by ClinVar (database versions not stated): gnomAD exomes below 0.00001; TOPMed below 0.00001.
gnomAD v4.1: 2 of 1,614,058 alleles (0.00012%); highest among the groups gnomAD compares: Admixed American, 0.0033%; no homozygotes.

Submissions (4):

Ambry Genetics
Classification: Uncertain significance for Hereditary cancer-predisposing syndrome. Last evaluated: 2025-06-25. Review status: criteria provided, single submitter. Criteria: Ambry Variant Classification Scheme 2023. Collection method: clinical testing. Allele origin: germline.
Comment: The p.G775S variant (also known as c.2323G>A), located in coding exon 15 of the CDH1 gene, results from a G to A substitution at nucleotide position 2323. The glycine at codon 775 is replaced by serine, an amino acid with similar properties. This amino acid position is highly conserved in available vertebrate species. In addition, the in silico prediction for this alteration is inconclusive. Based on the available evidence, the clinical significance of this variant remains unclear.

Labcorp Genetics (formerly Invitae), Labcorp
Classification: Uncertain significance for Hereditary diffuse gastric adenocarcinoma. Last evaluated: 2023-12-08. Review status: criteria provided, single submitter. Criteria: Invitae Variant Classification Sherloc (09022015). Collection method: clinical testing. Allele origin: germline.
Comment: This sequence change replaces glycine, which is neutral and non-polar, with serine, which is neutral and polar, at codon 775 of the CDH1 protein (p.Gly775Ser). This variant is present in population databases (no rsID available, gnomAD 0.003%). This variant has not been reported in the literature in individuals affected with CDH1-related conditions. ClinVar contains an entry for this variant (Variation ID: 463756). An algorithm developed to predict the effect of missense changes on protein structure and function (PolyPhen-2) suggests that this variant is likely to be disruptive. In summary, the available evidence is currently insufficient to determine the role of this variant in disease. Therefore, it has been classified as a Variant of Uncertain Significance.

Baylor Genetics
Classification: Uncertain significance for Familial cancer of breast. Last evaluated: 2023-07-26. Review status: criteria provided, single submitter. Criteria: ACMG Guidelines, 2015. Collection method: clinical testing. Allele origin: unknown.

GeneDx
Classification: Uncertain significance. Last evaluated: 2022-10-13. Review status: criteria provided, single submitter. Criteria: GeneDx Variant Classification Process June 2021. Collection method: clinical testing. Allele origin: germline. Affected: yes.
Comment: Not observed at significant frequency in large population cohorts (gnomAD); In silico analysis supports that this missense variant has a deleterious effect on protein structure/function; Has not been previously published as pathogenic or benign to our knowledge; This variant is associated with the following publications: (PMID: 15235021, 22850631)

NM_004360.5(CDH1):c.2323G>A (p.Gly775Ser)

Gene: CDH1 (cadherin 1; plus strand). Cytogenetic location: 16q22.1.
Variant type: single nucleotide variant.
Coding change: c.2323G>A on transcript NM_004360.5 (MANE Select); coding-DNA position 2323, G replaced by A.
Protein change: p.Gly775Ser; replaces glycine 775 with serine.
Molecular consequence: missense variant.
Genome position (GRCh38, 1-based): chr16:68,829,681, G>A. VCF-style: chr16-68829681-G-A. GRCh37 (hg19) VCF-style: chr16-68863584-G-A.
Other names: c.2323G>A (LRG_301t1); c.2140G>A, p.Gly714Ser (NM_001317184.2); c.775G>A, p.Gly259Ser (NM_001317185.2); c.358G>A, p.Gly120Ser (NM_001317186.2); short protein forms G775S, G259S, G120S, G714S.
Identifiers: ClinVar variation 463756 (VCV000463756.16), dbSNP rs1163417116, ClinGen allele CA396470885.